The following is an entry in ClinVar:

NM_015425.6(POLR1A):c.2644C>G (p.Pro882Ala)

Gene: POLR1A (RNA polymerase I subunit A; minus strand). Cytogenetic location: 2p11.2.
Variant type: single nucleotide variant.
Coding change: c.2644C>G on transcript NM_015425.6 (MANE Select); coding-DNA position 2644, C replaced by G.
Protein change: p.Pro882Ala; replaces proline 882 with alanine.
Molecular consequence: missense variant.
Genome position (GRCh38, 1-based): chr2:86,047,254, G>C on the plus strand (C>G on the coding strand, the complement: POLR1A is on the minus strand). VCF-style: chr2-86047254-G-C. GRCh37 (hg19) VCF-style: chr2-86274377-G-C.
Other names: short protein forms P882A.
Identifiers: ClinVar variation 1472796 (VCV001472796.6), dbSNP rs771421001, ClinGen allele CA347539885.

ClinVar aggregate classification (germline): Uncertain significance (1 of 4 stars; one submission).

Submission:

Labcorp Genetics (formerly Invitae), Labcorp
Classification: Uncertain significance. Last evaluated: 2021-12-02. Review status: criteria provided, single submitter. Criteria: Invitae Variant Classification Sherloc (09022015). Collection method: clinical testing. Allele origin: germline.
Comment: In summary, the available evidence is currently insufficient to determine the role of this variant in disease. Therefore, it has been classified as a Variant of Uncertain Significance. Algorithms developed to predict the effect of missense changes on protein structure and function are either unavailable or do not agree on the potential impact of this missense change (SIFT: "Not Available"; PolyPhen-2: "Probably Damaging"; Align-GVGD: "Not Available"). This variant has not been reported in the literature in individuals affected with POLR1A-related conditions. This variant is not present in population databases (gnomAD no frequency). This sequence change replaces proline with alanine at codon 882 of the POLR1A protein (p.Pro882Ala). The proline residue is highly conserved and there is a small physicochemical difference between proline and alanine.